The following is an entry in ClinVar:

ClinVar aggregate classification (germline): Uncertain significance. Review status: criteria provided, multiple submitters, no conflicts (2 of 4 stars). 8 submissions from 8 submitters: Uncertain significance (8). Last evaluated 2026-01-25.

Conditions:
Hereditary cancer-predisposing syndrome. Also called: Neoplastic Syndromes, Hereditary; Hereditary neoplastic syndrome; Tumor predisposition; Hereditary Cancer Syndrome. Identifiers: Orphanet 140162, MedGen C0027672, MeSH D009386, MONDO:0015356.
Hereditary nonpolyposis colorectal neoplasms. Identifiers: MedGen C0009405, MeSH D003123.
Lynch syndrome. Identifiers: Orphanet 144, MedGen C4552100, MONDO:0005835. Disease mechanism: loss of function.
Lynch syndrome 4 (LYNCH4). Also called: Hereditary non-polyposis colorectal cancer, type 4; Colorectal cancer, hereditary nonpolyposis, type 4. Identifiers: Orphanet 144, MedGen C1838333, MONDO:0013699, OMIM 614337. Disease mechanism: loss of function.

Allele frequency attached by ClinVar (database versions not stated): TOPMed 0.00001; gnomAD 0.00006.
gnomAD v4.1: 5 of 1,614,018 alleles (0.00031%); highest among the groups gnomAD compares: African/African-American, 0.0067%; no homozygotes.

Submissions (8):

Labcorp Genetics (formerly Invitae), Labcorp
Classification: Uncertain significance for Hereditary nonpolyposis colorectal neoplasms. Last evaluated: 2026-01-25. Review status: criteria provided, single submitter. Criteria: Invitae Variant Classification Sherloc (09022015). Collection method: clinical testing. Allele origin: germline.
Comment: This sequence change replaces proline, which is neutral and non-polar, with glutamine, which is neutral and polar, at codon 568 of the PMS2 protein (p.Pro568Gln). This variant is present in population databases (no rsID available, gnomAD 0.02%). This variant has not been reported in the literature in individuals affected with PMS2-related conditions. ClinVar contains an entry for this variant (Variation ID: 237891). Invitae Evidence Modeling incorporating data from in vitro experimental studies (internal data) indicates that this missense variant is not expected to disrupt PMS2 function with a negative predictive value of 95%. In summary, the available evidence is currently insufficient to determine the role of this variant in disease. Therefore, it has been classified as a Variant of Uncertain Significance.

Ambry Genetics
Classification: Uncertain significance for Hereditary cancer-predisposing syndrome. Last evaluated: 2025-08-28. Review status: criteria provided, single submitter. Criteria: Ambry Variant Classification Scheme 2023. Collection method: clinical testing. Allele origin: germline.
Comment: The p.P568Q variant (also known as c.1703C>A), located in coding exon 11 of the PMS2 gene, results from a C to A substitution at nucleotide position 1703. The proline at codon 568 is replaced by glutamine, an amino acid with similar properties. This amino acid position is not well conserved in available vertebrate species. In addition, this alteration is predicted to be tolerated by in silico analysis. Based on the available evidence, the clinical significance of this variant remains unclear.

GeneDx
Classification: Uncertain significance. Last evaluated: 2024-03-26. Review status: criteria provided, single submitter. Criteria: GeneDx Variant Classification Process June 2021. Collection method: clinical testing. Allele origin: germline. Affected: yes.
Comment: In silico analysis supports that this missense variant does not alter protein structure/function; Has not been previously published as pathogenic or benign to our knowledge

All of Us Research Program, National Institutes of Health
Classification: Uncertain significance for Lynch syndrome. Last evaluated: 2023-11-02. Review status: criteria provided, single submitter. Criteria: ACMG Guidelines, 2015. Collection method: clinical testing. Allele origin: germline. Inheritance: Autosomal dominant inheritance. Observed: 2 variant alleles, 2 heterozygotes.
Comment: This missense variant replaces proline with glutamine at codon 568 of the PMS2 protein. Computational prediction suggests that this variant may not impact protein structure and function (internally defined REVEL score threshold <= 0.5, PMID: 27666373). To our knowledge, functional studies have not been reported for this variant. This variant has not been reported in individuals affected with PMS2-related disorders in the literature. This variant has been identified in 2/31402 chromosomes in the general population by the Genome Aggregation Database (gnomAD). The available evidence is insufficient to determine the role of this variant in disease conclusively. Therefore, this variant is classified as a Variant of Uncertain Significance.

This study involves interpretation of variants in research participants for the purpose of population health screening. Participant phenotype was not available at the time of variant classification. Additional details can be found in publication PMID: 35346344, PMCID: PMC8962531

Color Diagnostics, LLC DBA Color Health
Classification: Uncertain significance for Hereditary cancer-predisposing syndrome. Last evaluated: 2023-10-18. Review status: criteria provided, single submitter. Criteria: ACMG Guidelines, 2015. Collection method: clinical testing. Allele origin: germline.
Comment: This missense variant replaces proline with glutamine at codon 568 of the PMS2 protein. Computational prediction suggests that this variant may not impact protein structure and function (internally defined REVEL score threshold <= 0.5, PMID: 27666373). To our knowledge, functional studies have not been reported for this variant. This variant has not been reported in individuals affected with PMS2-related disorders in the literature. This variant has been identified in 2/31402 chromosomes in the general population by the Genome Aggregation Database (gnomAD). The available evidence is insufficient to determine the role of this variant in disease conclusively. Therefore, this variant is classified as a Variant of Uncertain Significance.

Baylor Genetics
Classification: Uncertain significance for Lynch syndrome 4. Last evaluated: 2023-09-15. Review status: criteria provided, single submitter. Criteria: ACMG Guidelines, 2015. Collection method: clinical testing. Allele origin: unknown.

Quest Diagnostics Nichols Institute San Juan Capistrano
Classification: Uncertain significance. Last evaluated: 2021-08-27. Review status: criteria provided, single submitter. Criteria: Quest Diagnostics criteria. Collection method: clinical testing. Allele origin: unknown.

Women's Health and Genetics/Laboratory Corporation of America, LabCorp
Classification: Uncertain significance. Last evaluated: 2017-05-22. Review status: criteria provided, single submitter. Criteria: LabCorp Variant Classification Summary - May 2015. Collection method: clinical testing. Allele origin: germline.
Comment: Variant summary: The PMS2 c.1703C>A (p.Pro568Gln) variant involves the alteration of a conserved nucleotide. 3/4 in silico tools predict a benign outcome for this variant (SNPs&GO not captured due to low reliability index). This variant is absent in 121016 control chromosomes. In addition, multiple clinical diagnostic laboratories/reputable databases classified this variant as uncertain significance. The variant of interest has not, to our knowledge, been reported in affected individuals via publications; nor evaluated for functional impact by in vivo/vitro studies. Because of the absence of clinical information and the lack of functional studies, the variant is classified as a variant of uncertain significance (VUS) until additional information becomes available.

NM_000535.7(PMS2):c.1703C>A (p.Pro568Gln)

Gene: PMS2 (PMS1 homolog 2, mismatch repair system component; minus strand). Cytogenetic location: 7p22.1.
Variant type: single nucleotide variant.
Coding change: c.1703C>A on transcript NM_000535.7 (MANE Select); coding-DNA position 1703, C replaced by A.
Protein change: p.Pro568Gln; replaces proline 568 with glutamine.
Molecular consequence: missense variant. On other transcripts: non-coding transcript variant (1).
Genome position (GRCh38, 1-based): chr7:5,987,062, G>T on the plus strand (C>A on the coding strand, the complement: PMS2 is on the minus strand). VCF-style: chr7-5987062-G-T. GRCh37 (hg19) VCF-style: chr7-6026693-G-T.
Other names: c.1298C>A, p.Pro433Gln (NM_001322003.2, NM_001322004.2, NM_001322005.2 and 1 more transcripts); c.1547C>A, p.Pro516Gln (NM_001322006.2); c.1385C>A, p.Pro462Gln (NM_001322007.2, NM_001322008.2); c.1142C>A, p.Pro381Gln (NM_001322010.2); c.770C>A, p.Pro257Gln (NM_001322011.2, NM_001322012.2); c.1130C>A, p.Pro377Gln (NM_001322013.2); c.1703C>A, p.Pro568Gln (NM_001322014.2); c.1394C>A, p.Pro465Gln (NM_001322015.2); short protein forms P568Q, P377Q, P465Q, P516Q, P257Q, P433Q, P462Q, P381Q.
Identifiers: ClinVar variation 237891 (VCV000237891.29), dbSNP rs869312801, ClinGen allele CA10582506.